The following is an entry in ClinVar:

ClinVar aggregate classification (germline): Uncertain significance (1 of 4 stars; one submission).

Conditions:
Hereditary cancer-predisposing syndrome. Also called: Neoplastic Syndromes, Hereditary; Tumor predisposition; Hereditary neoplastic syndrome; Hereditary Cancer Syndrome. Identifiers: Orphanet 140162, MedGen C0027672, MeSH D009386, MONDO:0015356.

Submission:

Ambry Genetics
Classification: Uncertain significance for Hereditary cancer-predisposing syndrome. Last evaluated: 2024-02-24. Review status: criteria provided, single submitter. Criteria: Ambry Variant Classification Scheme 2023. Collection method: clinical testing. Allele origin: germline.
Comment: The p.V184L variant (also known as c.550G>C), located in coding exon 3 of the PDGFRA gene, results from a G to C substitution at nucleotide position 550. The valine at codon 184 is replaced by leucine, an amino acid with highly similar properties. This amino acid position is conserved. In addition, this alteration is predicted to be tolerated by in silico analysis. Based on the available evidence, the clinical significance of this alteration remains unclear.

NM_006206.6(PDGFRA):c.550G>C (p.Val184Leu)

Gene: PDGFRA (platelet derived growth factor receptor alpha; plus strand). Cytogenetic location: 4q12.
Variant type: single nucleotide variant.
Coding change: c.550G>C on transcript NM_006206.6 (MANE Select); coding-DNA position 550, G replaced by C.
Protein change: p.Val184Leu; replaces valine 184 with leucine.
Molecular consequence: missense variant.
Genome position (GRCh38, 1-based): chr4:54,263,849, G>C. VCF-style: chr4-54263849-G-C. GRCh37 (hg19) VCF-style: chr4-55130016-G-C.
Other names: c.550G>C, p.Val184Leu (NM_001347827.2, NM_001347829.2); c.625G>C, p.Val209Leu (NM_001347828.2); c.589G>C, p.Val197Leu (NM_001347830.2); short protein forms V184L, V197L, V209L.
Identifiers: ClinVar variation 3225311 (VCV003225311.1), dbSNP rs1560469226, ClinGen allele CA356890066.